The following is an entry in ClinVar:

ClinVar aggregate classification (germline): Uncertain significance (1 of 4 stars; one submission).

Submission:

GeneDx
Classification: Uncertain significance. Last evaluated: 2026-04-02. Review status: criteria provided, single submitter. Criteria: GeneDx Variant Classification Process June 2021. Collection method: clinical testing. Allele origin: germline.
Comment: Not observed at significant frequency in large population cohorts (gnomAD); In silico analysis supports that this missense variant has a deleterious effect on protein structure/function; Has not been previously published as pathogenic or benign to our knowledge

NM_000540.3(RYR1):c.12568G>A (p.Glu4190Lys)

Gene: RYR1 (ryanodine receptor 1; plus strand). Cytogenetic location: 19q13.2.
Variant type: single nucleotide variant.
Coding change: c.12568G>A on transcript NM_000540.3 (MANE Select); coding-DNA position 12568, G replaced by A.
Protein change: p.Glu4190Lys; replaces glutamic acid 4190 with lysine.
Molecular consequence: missense variant.
Genome position (GRCh38, 1-based): chr19:38,561,398, G>A. VCF-style: chr19-38561398-G-A. GRCh37 (hg19) VCF-style: chr19-39052038-G-A.
Other names: c.12553G>A, p.Glu4185Lys (NM_001042723.2); short protein forms E4185K, E4190K.
Identifiers: ClinVar variation 5018173 (VCV005018173.1).
Genomic context (GRCh38, chr19:38,561,398, plus strand): 5'-CTTGAGTACTTCCGCCCCTACCTGGGCCGCATCGAGATCATGGGCGCGTCACGCCGCATC[G>A]AGCGCATCTACTTCGAGATCTCAGAGACCAACCGCGCCCAGTGGGAGATGCCCCAGGTCA-3'
Protein context (NP_000531.2, residues 4180-4200): IEIMGASRRI[Glu4190Lys]RIYFEISETN